The following is an entry in ClinVar:

NM_002128.7(HMGB1):c.47_48del (p.Tyr16fs)

Gene: HMGB1 (high mobility group box 1; minus strand). Cytogenetic location: 13q12.3.
Variant type: Microsatellite.
Coding change: c.47_48del on transcript NM_002128.7 (MANE Select); coding-DNA positions 47 to 48, 2 bases deleted (AT; older notation c.47_48delAT).
Protein change: p.Tyr16fs; shifts the reading frame from tyrosine 16.
Molecular consequence: frameshift variant.
Genome position (GRCh38, 1-based): chr13:30,463,633-30,463,634, AT deleted on the plus strand (AT on the coding strand, the reverse complement: HMGB1 is on the minus strand); deleting any 2 consecutive bases within chr13:30,463,633-30,463,636 gives the same sequence; the c. name uses the placement nearest the transcript's 3' end. VCF-style (leftmost placement, unchanged base first): chr13-30463632-CAT-C. GRCh37 (hg19) VCF-style: chr13-31037769-CAT-C.
Other names: c.47_48del, p.Tyr16fs (NM_001313892.2, NM_001313893.1, NM_001363661.2 and 3 more transcripts); short protein forms Y16fs.
Identifiers: ClinVar variation 2664997 (VCV002664997.2), dbSNP rs2500473984, ClinGen allele CA2695199242.

ClinVar aggregate classification (germline): Likely pathogenic (1 of 4 stars; one submission).

Conditions:
HMGB1-associated disorder.

Submission:

Institute of Human Genetics, University of Leipzig Medical Center
Classification: Likely pathogenic for HMGB1-associated disorder. Last evaluated: 2023-11-27. Review status: criteria provided, single submitter. Criteria: ACMG Guidelines, 2015. Collection method: clinical testing. Allele origin: de novo. Inheritance: Autosomal dominant inheritance. Affected: yes.
Comment: Criteria applied: PVS1_STR,PS2_MOD,PM2_SUP

Literature cited by the submitters: PubMed 34164801.